The following is an entry in ClinVar:

ClinVar aggregate classification (germline): Uncertain significance (1 of 4 stars; one submission).

Conditions:
FBXW7-related disorder. Also called: FBXW7-related condition; FBXW7-related disorders.

Submission:

PreventionGenetics, part of Exact Sciences
Classification: Uncertain significance for FBXW7-related condition. Last evaluated: 2025-12-07. Review status: criteria provided, single submitter. Criteria: ACMG Guidelines, 2015. Collection method: clinical testing. Allele origin: germline.
Comment: The FBXW7 c.2008G>A variant is predicted to result in the amino acid substitution p.Gly670Arg. To our knowledge, this variant has not been reported in the literature or in a large population database (gnomAD), indicating this variant is rare. At this time, the clinical significance of this variant is uncertain due to the absence of conclusive functional and genetic evidence.

NM_001349798.2(FBXW7):c.2008G>A (p.Gly670Arg)

Gene: FBXW7 (F-box and WD repeat domain containing 7; minus strand). Cytogenetic location: 4q31.3.
Variant type: single nucleotide variant.
Coding change: c.2008G>A on transcript NM_001349798.2 (MANE Select); coding-DNA position 2008, G replaced by A.
Protein change: p.Gly670Arg; replaces glycine 670 with arginine.
Molecular consequence: missense variant.
Genome position (GRCh38, 1-based): chr4:152,322,997, C>T on the plus strand (G>A on the coding strand, the complement: FBXW7 is on the minus strand). VCF-style: chr4-152322997-C-T. GRCh37 (hg19) VCF-style: chr4-153244149-C-T.
Other names: c.1654G>A, p.Gly552Arg (NM_001013415.2); c.1768G>A, p.Gly590Arg (NM_018315.5); c.2008G>A, p.Gly670Arg (NM_033632.3); short protein forms G552R, G670R, G590R.
Identifiers: ClinVar variation 4982348 (VCV004982348.1).
Genomic context (GRCh38, chr4:152,322,997, plus strand): 5'-TCCGACTCCCAACTGCACACACCAGCTTTGTGTTTGAGGCTCTGATCCGCCACACAACTC[C>T]CCCACTCCCCCCACTCTCCAATGTGACTAGGTTTCGAATAAATTCACCCGTTTTCAAGTC-3'
Protein context (NP_001336727.1, residues 660-680): LVTLESGGSG[Gly670Arg]VVWRIRASNT